The following is an entry in ClinVar:

ClinVar aggregate classification (germline): Uncertain significance (1 of 4 stars; one submission).

Submission:

CeGaT Center for Human Genetics Tuebingen
Classification: Uncertain significance. Last evaluated: 2023-05-01. Review status: criteria provided, single submitter. Criteria: CeGaT Center For Human Genetics Tuebingen Variant Classification Criteria Version 2. Collection method: clinical testing. Allele origin: germline. Affected: yes. Observed: 1 variant allele.
Comment: GRIK2: PM2

NM_021956.5(GRIK2):c.2132G>C (p.Ser711Thr)

Gene: GRIK2 (glutamate ionotropic receptor kainate type subunit 2; plus strand). Cytogenetic location: 6q16.3.
Variant type: single nucleotide variant.
Coding change: c.2132G>C on transcript NM_021956.5 (MANE Select); coding-DNA position 2132, G replaced by C.
Protein change: p.Ser711Thr; replaces serine 711 with threonine.
Molecular consequence: missense variant.
Genome position (GRCh38, 1-based): chr6:102,035,387, G>C. VCF-style: chr6-102035387-G-C. GRCh37 (hg19) VCF-style: chr6-102483262-G-C.
Other names: c.2132G>C, p.Ser711Thr (NM_001166247.1, NM_175768.3); short protein forms S711T.
Identifiers: ClinVar variation 2571257 (VCV002571257.27), dbSNP rs557178913, ClinGen allele CA365310621.
Genomic context (GRCh38, chr6:102,035,387, plus strand): 5'-TTTATTTTCTTCAGAAATCAAAAATCTCCACGTATGACAAAATGTGGGCCTTTATGAGTA[G>C]CAGAAGGCAGTCAGTGCTGGTCAAAAGTAATGAAGAAGGAATCCAGCGAGTCCTCACCTC-3'
Protein context (NP_068775.1, residues 701-721): TYDKMWAFMS[Ser711Thr]RRQSVLVKSN